The following is an entry in ClinVar:

NM_018834.6(MATR3):c.446G>A (p.Arg149Lys)

Gene: MATR3 (matrin 3; plus strand). Cytogenetic location: 5q31.2.
Variant type: single nucleotide variant.
Coding change: c.446G>A on transcript NM_018834.6 (MANE Select); coding-DNA position 446, G replaced by A.
Protein change: p.Arg149Lys; replaces arginine 149 with lysine.
Molecular consequence: missense variant. On other transcripts: intron variant (11).
Genome position (GRCh38, 1-based): chr5:139,307,861, G>A. VCF-style: chr5-139307861-G-A. GRCh37 (hg19) VCF-style: chr5-138643550-G-A.
Other names: c.446G>A, p.Arg149Lys (NM_001400442.1, NM_001194955.2, NM_001400441.1 and 16 more transcripts); c.52-6814G>A (NM_001400459.1); c.-102-6814G>A (NM_001400463.1, NM_001400460.1, NM_001282278.2 and 3 more transcripts); c.-40-7836G>A (NM_001400462.1, NM_001400467.1); c.13-6814G>A (NM_001400461.1); c.49-6814G>A (NM_001194956.2); short protein forms R149K.
Identifiers: ClinVar variation 3653101 (VCV003653101.2).
Genomic context (GRCh38, chr5:139,307,861, plus strand): 5'-CAGAGGACAAGATTACTCCTGAGAATTTGCCCCAAATCCTTCTACAGCTTAAAAGGAGGA[G>A]AACTGAAGAAGGCCCTACCTTGAGTTATGGTAGAGATGGCAGATCTGCTACACGGGAGCC-3'
Protein context (NP_061322.2, residues 139-159): PQILLQLKRR[Arg149Lys]TEEGPTLSYG

ClinVar aggregate classification (germline): Uncertain significance (1 of 4 stars; one submission).

Conditions:
Amyotrophic lateral sclerosis type 21. Also called: VOCAL CORD AND PHARYNGEAL DYSFUNCTION WITH DISTAL MYOPATHY; MYOPATHY, DISTAL, 2. Identifiers: Orphanet 600, Orphanet 803, MedGen C3807521, MONDO:0011632, OMIM 606070.

Submission:

Labcorp Genetics (formerly Invitae), Labcorp
Classification: Uncertain significance for Amyotrophic lateral sclerosis type 21. Last evaluated: 2024-11-17. Review status: criteria provided, single submitter. Criteria: Invitae Variant Classification Sherloc (09022015). Collection method: clinical testing. Allele origin: germline.
Comment: This sequence change replaces arginine, which is basic and polar, with lysine, which is basic and polar, at codon 149 of the MATR3 protein (p.Arg149Lys). This variant is not present in population databases (gnomAD no frequency). This variant has not been reported in the literature in individuals affected with MATR3-related conditions. Invitae Evidence Modeling of protein sequence and biophysical properties (such as structural, functional, and spatial information, amino acid conservation, physicochemical variation, residue mobility, and thermodynamic stability) indicates that this missense variant is not expected to disrupt MATR3 protein function with a negative predictive value of 80%. In summary, the available evidence is currently insufficient to determine the role of this variant in disease. Therefore, it has been classified as a Variant of Uncertain Significance.